The following is an entry in ClinVar:

ClinVar aggregate classification (germline): Uncertain significance. Review status: criteria provided, multiple submitters, no conflicts (2 of 4 stars). 5 submissions from 5 submitters: Uncertain significance (5). Last evaluated 2025-07-31.

Conditions:
Ehlers-Danlos syndrome, spondylodysplastic type, 1 (EDSSPD1). Also called: XGPT DEFICIENCY; XYLOSYLPROTEIN 4-BETA-GALACTOSYLTRANSFERASE DEFICIENCY; DERMATAN SULFATE PROTEOGLYCAN; EHLERS-DANLOS SYNDROME, PROGEROID TYPE, 1; GALACTOSYLTRANSFERASE I DEFICIENCY; PDS, DEFECTIVE BIOSYNTHESIS OF. Identifiers: Orphanet 75496, MedGen C4552003, MONDO:0020682, OMIM 130070.
Inborn genetic diseases. Identifiers: MedGen C0950123, MeSH D030342.
Spondylodysplastic Ehlers-Danlos syndrome. Identifiers: Orphanet 536471, Orphanet 75496, MedGen C5680154, MONDO:0007526.

Allele frequency attached by ClinVar (database versions not stated): ExAC 0.00005; gnomAD 0.00005 and 0.00006; gnomAD exomes 0.00006; TOPMed 0.00006; ESP Exome Variant Server 0.00023.
gnomAD v4.1: 89 of 1,613,604 alleles (0.0055%); highest among the groups gnomAD compares: Non-Finnish European, 0.0066%; no homozygotes.

Submissions (5):

Mayo Clinic Laboratories, Mayo Clinic
Classification: Uncertain significance. Last evaluated: 2025-07-31. Review status: criteria provided, single submitter. Criteria: ACMG Guidelines, 2015. Collection method: clinical testing. Allele origin: germline. Observed: 2 variant alleles.
Comment: BP4_moderate

Ambry Genetics
Classification: Uncertain significance for Inborn genetic diseases. Last evaluated: 2025-01-04. Review status: criteria provided, single submitter. Criteria: Ambry Variant Classification Scheme 2023. Collection method: clinical testing. Allele origin: germline.

Labcorp Genetics (formerly Invitae), Labcorp
Classification: Uncertain significance for Spondylodysplastic Ehlers-Danlos syndrome. Last evaluated: 2024-12-26. Review status: criteria provided, single submitter. Criteria: Invitae Variant Classification Sherloc (09022015). Collection method: clinical testing. Allele origin: germline.
Comment: This sequence change replaces serine, which is neutral and polar, with leucine, which is neutral and non-polar, at codon 246 of the B4GALT7 protein (p.Ser246Leu). This variant is present in population databases (rs145692398, gnomAD 0.02%). This variant has not been reported in the literature in individuals affected with B4GALT7-related conditions. ClinVar contains an entry for this variant (Variation ID: 1438619). Invitae Evidence Modeling of protein sequence and biophysical properties (such as structural, functional, and spatial information, amino acid conservation, physicochemical variation, residue mobility, and thermodynamic stability) indicates that this missense variant is not expected to disrupt B4GALT7 protein function with a negative predictive value of 80%. In summary, the available evidence is currently insufficient to determine the role of this variant in disease. Therefore, it has been classified as a Variant of Uncertain Significance.

Fulgent Genetics
Classification: Uncertain significance for Ehlers-Danlos syndrome, spondylodysplastic type, 1. Last evaluated: 2024-06-18. Review status: criteria provided, single submitter. Criteria: ACMG Guidelines, 2015. Collection method: clinical testing. Allele origin: germline.

GeneDx
Classification: Uncertain significance. Last evaluated: 2023-05-23. Review status: criteria provided, single submitter. Criteria: GeneDx Variant Classification Process June 2021. Collection method: clinical testing. Allele origin: germline. Affected: yes.
Comment: Has not been previously published as pathogenic or benign to our knowledge; In silico analysis supports that this missense variant has a deleterious effect on protein structure/function

NM_007255.3(B4GALT7):c.737C>T (p.Ser246Leu)

Gene: B4GALT7 (beta-1,4-galactosyltransferase 7; plus strand). Cytogenetic location: 5q35.3.
Variant type: single nucleotide variant.
Coding change: c.737C>T on transcript NM_007255.3 (MANE Select); coding-DNA position 737, C replaced by T.
Protein change: p.Ser246Leu; replaces serine 246 with leucine.
Molecular consequence: missense variant.
Genome position (GRCh38, 1-based): chr5:177,608,923, C>T. VCF-style: chr5-177608923-C-T. GRCh37 (hg19) VCF-style: chr5-177035924-C-T.
Other names: p.Ser246Leu; c.737C>T (NM_007255.2); short protein forms S246L.
Identifiers: ClinVar variation 1438619 (VCV001438619.10), dbSNP rs145692398, ClinGen allele CA3586672.